The following is an entry in ClinVar:

NM_014915.3(ANKRD26):c.3044C>T (p.Ala1015Val)

Gene: ANKRD26 (ankyrin repeat domain 26; minus strand). Cytogenetic location: 10p12.1.
Variant type: single nucleotide variant.
Coding change: c.3044C>T on transcript NM_014915.3 (MANE Select); coding-DNA position 3044, C replaced by T.
Protein change: p.Ala1015Val; replaces alanine 1015 with valine.
Molecular consequence: missense variant.
Genome position (GRCh38, 1-based): chr10:27,035,406, G>A on the plus strand (C>T on the coding strand, the complement: ANKRD26 is on the minus strand). VCF-style: chr10-27035406-G-A. GRCh37 (hg19) VCF-style: chr10-27324335-G-A.
Other names: c.3041C>T, p.Ala1014Val (NM_001256053.2); short protein forms A1014V, A1015V.
Identifiers: ClinVar variation 2080244 (VCV002080244.8), dbSNP rs758480659, ClinGen allele CA5448108.

ClinVar aggregate classification (germline): Uncertain significance. Review status: criteria provided, multiple submitters, no conflicts (2 of 4 stars). 4 submissions from 4 submitters: Uncertain significance (4). Last evaluated 2025-03-09.

Conditions:
Inborn genetic diseases. Identifiers: MedGen C0950123, MeSH D030342.
Thrombocytopenia 2 (THC2). Also called: ANKRD26-Related Thrombocytopenia. Identifiers: Orphanet 268322, MedGen C1861185, MONDO:0008555, OMIM 188000.

Allele frequency attached by ClinVar (database versions not stated): ExAC 0.00001; TOPMed 0.00002; gnomAD exomes 0.00003.
gnomAD v4.1: 17 of 1,613,790 alleles (0.0011%); highest among the groups gnomAD compares: Admixed American, 0.027%; no homozygotes.

Submissions (4):

Labcorp Genetics (formerly Invitae), Labcorp
Classification: Uncertain significance. Last evaluated: 2025-03-09. Review status: criteria provided, single submitter. Criteria: Invitae Variant Classification Sherloc (09022015). Collection method: clinical testing. Allele origin: germline.
Comment: This sequence change replaces alanine, which is neutral and non-polar, with valine, which is neutral and non-polar, at codon 1015 of the ANKRD26 protein (p.Ala1015Val). This variant is present in population databases (rs758480659, gnomAD 0.03%). This variant has not been reported in the literature in individuals affected with ANKRD26-related conditions. ClinVar contains an entry for this variant (Variation ID: 2080244). An algorithm developed to predict the effect of missense changes on protein structure and function (PolyPhen-2) suggests that this variant is likely to be tolerated. In summary, the available evidence is currently insufficient to determine the role of this variant in disease. Therefore, it has been classified as a Variant of Uncertain Significance.

GeneDx
Classification: Uncertain significance. Last evaluated: 2025-01-06. Review status: criteria provided, single submitter. Criteria: GeneDx Variant Classification Process June 2021. Collection method: clinical testing. Allele origin: germline.
Comment: Has not been previously published as pathogenic or benign to our knowledge; In silico analysis supports that this missense variant has a deleterious effect on protein structure/function

Ambry Genetics
Classification: Uncertain significance for Inborn genetic diseases. Last evaluated: 2024-12-25. Review status: criteria provided, single submitter. Criteria: Ambry Variant Classification Scheme 2023. Collection method: clinical testing. Allele origin: germline.
Comment: The p.A1015V variant (also known as c.3044C>T), located in coding exon 24 of the ANKRD26 gene, results from a C to T substitution at nucleotide position 3044. The alanine at codon 1015 is replaced by valine, an amino acid with similar properties. This amino acid position is conserved. In addition, this alteration is predicted to be tolerated by in silico analysis. Based on the available evidence, the clinical significance of this variant remains unclear.

St. Jude Molecular Pathology, St. Jude Children's Research Hospital
Classification: Uncertain significance for Thrombocytopenia 2. Last evaluated: 2024-05-01. Review status: criteria provided, single submitter. Criteria: St. Jude Assertion Criteria 2020. Collection method: clinical testing. Allele origin: germline.
Comment: The ANKRD26 c.3044C>T (p.Ala1015Val) missense change has a maximum subpopulation frequency of 0.026% in gnomAD v2.1.1. This variant is not located in the 5' UTR. The in silico tool REVEL predicts a benign effect on protein function, but to our knowledge this prediction has not been confirmed by functional studies. To our knowledge, this variant has not been reported in individuals with ANKRD26-related thrombocytopenia. In summary, the evidence currently available is insufficient to determine the clinical significance of this variant. It has therefore been classified as of uncertain significance.